The following is an entry in ClinVar:

NM_013339.4(ALG6):c.723del (p.Phe242fs)

Gene: ALG6 (ALG6 alpha-1,3-glucosyltransferase; plus strand). Cytogenetic location: 1p31.3.
Variant type: Deletion.
Coding change: c.723del on transcript NM_013339.4 (MANE Select); coding-DNA position 723, one base deleted (C; older notation c.723delC).
Protein change: p.Phe242fs; shifts the reading frame from phenylalanine 242.
Molecular consequence: frameshift variant.
Genome position (GRCh38, 1-based): chr1:63,411,968, C deleted; the last of 2 consecutive C bases (chr1:63,411,967-63,411,968); deleting either gives the same sequence. VCF-style (leftmost placement, unchanged base first): chr1-63411966-TC-T. GRCh37 (hg19) VCF-style: chr1-63877637-TC-T.
Other names: short protein forms F242fs.
Identifiers: ClinVar variation 1411147 (VCV001411147.6), dbSNP rs755112036, ClinGen allele CA888243.
Genomic context (GRCh38, chr1:63,411,966, plus strand): 5'-TACCTTTGTTTTTGTTTTAGGTTTGTGTTGCTAGTTAAGCTAGCTTGTATTGTTGTGGCT[TC>T]CTTCGTTCTCTGCTGGCTGCCATTCTTTACAGAAAGGGAACAAACCCTGCAGGTTCTAAG-3'

ClinVar aggregate classification (germline): Pathogenic (1 of 4 stars; one submission).

Conditions:
ALG6-congenital disorder of glycosylation 1C (CDG1C). Also called: CARBOHYDRATE-DEFICIENT GLYCOPROTEIN SYNDROME, TYPE I, WITH DEFICIENT GLYCOSYLATION OF DOLICHOL-LINKED OLIGOSACCHARIDE; CARBOHYDRATE-DEFICIENT GLYCOPROTEIN SYNDROME, TYPE V; Congenital disorder of glycosylation type 1C; Congenital disorder of glycosylation, type Ic; CDG Ic. Identifiers: Orphanet 79320, MedGen C2930997, MONDO:0011291, OMIM 603147.

Submission:

Labcorp Genetics (formerly Invitae), Labcorp
Classification: Pathogenic for ALG6-congenital disorder of glycosylation 1C. Last evaluated: 2021-08-11. Review status: criteria provided, single submitter. Criteria: Invitae Variant Classification Sherloc (09022015). Collection method: clinical testing. Allele origin: germline.
Comment: For these reasons, this variant has been classified as Pathogenic. This variant has not been reported in the literature in individuals affected with ALG6-related conditions. The frequency data for this variant in the population databases is considered unreliable, as metrics indicate poor data quality at this position in the ExAC database. This sequence change creates a premature translational stop signal (p.Phe242Serfs*19) in the ALG6 gene. It is expected to result in an absent or disrupted protein product. Loss-of-function variants in ALG6 are known to be pathogenic (PMID: 19862844).

Literature cited by the submitters: PubMed 19862844.